The following is an entry in ClinVar:

ClinVar aggregate classification (germline): Uncertain significance (1 of 4 stars; one submission).

gnomAD v4.1: 2 of 1,614,226 alleles (0.00012%); highest among the groups gnomAD compares: Non-Finnish European, 0.00017%; no homozygotes.

Submission:

Labcorp Genetics (formerly Invitae), Labcorp
Classification: Uncertain significance. Last evaluated: 2025-08-29. Review status: criteria provided, single submitter. Criteria: Invitae Variant Classification Sherloc (09022015). Collection method: clinical testing. Allele origin: germline.
Comment: This sequence change replaces alanine, which is neutral and non-polar, with valine, which is neutral and non-polar, at codon 454 of the RFWD3 protein (p.Ala454Val). This variant is not present in population databases (gnomAD no frequency). This variant has not been reported in the literature in individuals affected with RFWD3-related conditions. An algorithm developed to predict the effect of missense changes on protein structure and function (PolyPhen-2) suggests that this variant is likely to be disruptive. In summary, the available evidence is currently insufficient to determine the role of this variant in disease. Therefore, it has been classified as a Variant of Uncertain Significance.

NM_018124.4(RFWD3):c.1361C>T (p.Ala454Val)

Gene: RFWD3 (ring finger and WD repeat domain 3; minus strand). Cytogenetic location: 16q23.1.
Variant type: single nucleotide variant.
Coding change: c.1361C>T on transcript NM_018124.4 (MANE Select); coding-DNA position 1361, C replaced by T.
Protein change: p.Ala454Val; replaces alanine 454 with valine.
Molecular consequence: missense variant.
Genome position (GRCh38, 1-based): chr16:74,636,411, G>A on the plus strand (C>T on the coding strand, the complement: RFWD3 is on the minus strand). VCF-style: chr16-74636411-G-A. GRCh37 (hg19) VCF-style: chr16-74670309-G-A.
Other names: c.1361C>T, p.Ala454Val (NM_001370534.1, NM_001370535.1, NM_001370536.1); c.527C>T, p.Ala176Val (NM_001370537.1, NM_001370539.1, NM_001370540.1 and 2 more transcripts); short protein forms A176V, A454V.
Identifiers: ClinVar variation 4766484 (VCV004766484.1).